The following is an entry in ClinVar:

NM_004168.4(SDHA):c.1526del (p.Ser509fs)

Gene: SDHA (succinate dehydrogenase complex flavoprotein subunit A; plus strand). Cytogenetic location: 5p15.33.
Variant type: Deletion.
Coding change: c.1526del on transcript NM_004168.4 (MANE Select); coding-DNA position 1526, one base deleted (C; older notation c.1526delC).
Protein change: p.Ser509fs; shifts the reading frame from serine 509.
Molecular consequence: frameshift variant.
Genome position (GRCh38, 1-based): chr5:240,451, C deleted. VCF-style (leftmost placement, unchanged base first): chr5-240450-TC-T. GRCh37 (hg19) VCF-style: chr5-240565-TC-T.
Other names: c.1382del, p.Ser461fs (NM_001294332.2); c.1526del, p.Ser509fs (NM_001330758.2); short protein forms S509fs, S461fs.
Identifiers: ClinVar variation 2945327 (VCV002945327.3), dbSNP rs2477398507, ClinGen allele CA2740091648.

ClinVar aggregate classification (germline): Pathogenic (1 of 4 stars; one submission).

Conditions:
Mitochondrial complex II deficiency, nuclear type 1. Also called: SUCCINATE CoQ REDUCTASE DEFICIENCY. Identifiers: Orphanet 3208, MedGen C5700310, MONDO:0100294, OMIM 252011.
Pheochromocytoma/paraganglioma syndrome 5. Also called: Paragangliomas 5; SDHA-Related Hereditary Paraganglioma-Pheochromocytoma Syndrome. Identifiers: Orphanet 29072, MedGen C3279992, MONDO:0013602, OMIM 614165.

Submission:

Labcorp Genetics (formerly Invitae), Labcorp
Classification: Pathogenic for Pheochromocytoma/paraganglioma syndrome 5; Mitochondrial complex II deficiency, nuclear type 1. Last evaluated: 2023-03-15. Review status: criteria provided, single submitter. Criteria: Invitae Variant Classification Sherloc (09022015). Collection method: clinical testing. Allele origin: germline.
Comment: For these reasons, this variant has been classified as Pathogenic. This variant has not been reported in the literature in individuals affected with SDHA-related conditions. This variant is not present in population databases (gnomAD no frequency). This sequence change creates a premature translational stop signal (p.Ser509Trpfs*38) in the SDHA gene. It is expected to result in an absent or disrupted protein product. Loss-of-function variants in SDHA are known to be pathogenic (PMID: 22974104, 24781757).

Literature cited by the submitters: PubMed 22974104; PubMed 24781757.